The following is an entry in ClinVar:

ClinVar aggregate classification (germline): Pathogenic (1 of 4 stars; one submission).

Conditions:
PKD2-related disorder. Also called: PKD2-related condition.

Submission:

PreventionGenetics, part of Exact Sciences
Classification: Pathogenic for PKD2-related condition. Last evaluated: 2025-05-28. Review status: criteria provided, single submitter. Criteria: ACMG Guidelines, 2015. Collection method: clinical testing. Allele origin: germline.
Comment: The PKD2 c.338_341dupAGAT variant is predicted to result in a frameshift and premature protein termination (p.Met114Ilefs*100). To our knowledge, this variant has not been reported in the literature or in a large population database (gnomAD), indicating this variant is rare. Frameshift variants in PKD2 are expected to be pathogenic. This variant is interpreted as pathogenic.

NM_000297.4(PKD2):c.338_341dup (p.Met114fs)

Genes: PKD2 (polycystin 2, transient receptor potential cation channel; plus strand), LOC129992813 (ATAC-STARR-seq lymphoblastoid silent region 15559; plus strand). Cytogenetic location: 4q22.1.
Variant type: Duplication.
Coding change: c.338_341dup on transcript NM_000297.4 (MANE Select); coding-DNA positions 338 to 341, 4 bases duplicated (AGAT; older notation c.338_341dupAGAT).
Protein change: p.Met114fs; shifts the reading frame from methionine 114.
Molecular consequence: frameshift variant. On other transcripts: non-coding transcript variant (1).
Genome position (GRCh38, 1-based): chr4:88,008,071-88,008,074, AGAT duplicated. VCF-style (leftmost placement, unchanged base first): chr4-88008070-G-GAGAT. GRCh37 (hg19) VCF-style: chr4-88929222-G-GAGAT.
Other names: c.338_341dup, p.Met114fs (NM_001440544.1); short protein forms M114fs.
Identifiers: ClinVar variation 4999974 (VCV004999974.1).
Genomic context (GRCh38, chr4:88,008,070, plus strand): 5'-GGCTTCGAGGCCGAGGAGGAGGAGGAGGAGGTGGAAGGGGAAGAAGGCGGAATGGTGGTG[G>GAGAT]AGATGGACGTAGAGTGGCGCCCGGGCAGCCGGAGGTCGGCCGCCTCCTCGGCCGTGAGCT-3'